The following is an entry in ClinVar:

ClinVar aggregate classification (germline): Uncertain significance (1 of 4 stars; one submission).

Submission:

CeGaT Center for Human Genetics Tuebingen
Classification: Uncertain significance. Last evaluated: 2023-03-01. Review status: criteria provided, single submitter. Criteria: CeGaT Center For Human Genetics Tuebingen Variant Classification Criteria Version 2. Collection method: clinical testing. Allele origin: germline. Affected: yes. Observed: 1 variant allele.
Comment: WASHC4: PM2, BP5

NM_015275.3(WASHC4):c.2180C>T (p.Ala727Val)

Gene: WASHC4 (WASH complex subunit 4; plus strand). Cytogenetic location: 12q23.3.
Variant type: single nucleotide variant.
Coding change: c.2180C>T on transcript NM_015275.3 (MANE Select); coding-DNA position 2180, C replaced by T.
Protein change: p.Ala727Val; replaces alanine 727 with valine.
Molecular consequence: missense variant.
Genome position (GRCh38, 1-based): chr12:105,144,718, C>T. VCF-style: chr12-105144718-C-T. GRCh37 (hg19) VCF-style: chr12-105538496-C-T.
Other names: c.2183C>T, p.Ala728Val (NM_001293640.2); short protein forms A727V, A728V.
Identifiers: ClinVar variation 2643257 (VCV002643257.24), dbSNP rs1409628722, ClinGen allele CA386361388.
Genomic context (GRCh38, chr12:105,144,718, plus strand): 5'-TAGGTTTCATTTCTTTTCCTTTTCTACTGTTTCACAAGTTGAATTTTTTTTTTTTGGTAG[C>T]TTACGTAACTCACTACCTAGACAAGACTTTCTACAATCTAACAACTGTAGCCCTTCATGA-3'
Protein context (NP_056090.1, residues 717-737): RFFNRFIDIR[Ala727Val]YVTHYLDKTF